The following is an entry in ClinVar:

ClinVar aggregate classification (germline): Pathogenic (1 of 4 stars; one submission).

Conditions:
Waardenburg syndrome type 4C (WS4C). Also called: WAARDENBURG SYNDROME WITH HIRSCHSPRUNG DISEASE, TYPE 4C. Identifiers: Orphanet 897, MedGen C2750452, MONDO:0013202, OMIM 613266.

Submission:

Institute of Rare Diseases, West China Hospital, Sichuan University
Classification: Pathogenic for Waardenburg syndrome type 4C. Last evaluated: 2025-01-09. Review status: criteria provided, single submitter. Criteria: ClinGen HL ACMG Specifications v1. Collection method: research. Allele origin: germline. Affected: yes.
Comment: PM1;PVS1;PM2_Supporting

NM_006941.4(SOX10):c.793del (p.Glu265fs)

Genes: POLR2F (RNA polymerase II, I and III subunit F; plus strand), SOX10 (SRY-box transcription factor 10; minus strand). Cytogenetic location: 22q13.1.
Variant type: Deletion.
Coding change: c.793del on transcript NM_006941.4 (MANE Select); coding-DNA position 793, one base deleted (G; older notation c.793delG).
Protein change: p.Glu265fs; shifts the reading frame from glutamic acid 265.
Molecular consequence: frameshift variant. On other transcripts: intron variant (3).
Genome position (GRCh38, 1-based): chr22:37,974,103, C deleted on the plus strand (G on the coding strand, the reverse complement: SOX10 is on the minus strand); the first of 5 consecutive C bases (chr22:37,974,103-37,974,107); deleting any one gives the same sequence. VCF-style (leftmost placement, unchanged base first): chr22-37974102-TC-T. GRCh37 (hg19) VCF-style: chr22-38370109-TC-T.
Other names: c.*38+1797del (NM_001363825.1); c.293+6937del (NM_001301130.2, NM_001301131.2); short protein forms E265fs.
Identifiers: ClinVar variation 3601856 (VCV003601856.1).